The following is an entry in ClinVar:

NM_015627.3(LDLRAP1):c.811G>A (p.Val271Ile)

Gene: LDLRAP1 (low density lipoprotein receptor adaptor protein 1; plus strand). Cytogenetic location: 1p36.11.
Variant type: single nucleotide variant.
Coding change: c.811G>A on transcript NM_015627.3 (MANE Select); coding-DNA position 811, G replaced by A.
Protein change: p.Val271Ile; replaces valine 271 with isoleucine.
Molecular consequence: missense variant.
Genome position (GRCh38, 1-based): chr1:25,566,876, G>A. VCF-style: chr1-25566876-G-A. GRCh37 (hg19) VCF-style: chr1-25893367-G-A.
Other names: short protein forms V271I.
Identifiers: ClinVar variation 806094 (VCV000806094.20), dbSNP rs367832795, ClinGen allele CA695766.

ClinVar aggregate classification (germline): Uncertain significance. Review status: criteria provided, multiple submitters, no conflicts (2 of 4 stars). 7 submissions from 7 submitters: Uncertain significance (6). 1 of the submissions does not count toward it. Last evaluated 2026-02-03.

Conditions:
Cardiovascular phenotype. Identifiers: MedGen CN230736.
Familial hypercholesterolemia. Also called: Familial hypercholesterolaemia; Familial hypercholesterolemias. Identifiers: MedGen C0020445, MONDO:0005439.
Hypercholesterolemia, familial, 4 (FHCL4). Also called: HYPERCHOLESTEROLEMIA, AUTOSOMAL RECESSIVE, 1; HYPERCHOLESTEROLEMIA, AUTOSOMAL RECESSIVE, 2. Identifiers: Orphanet 391665, MedGen C1863512, MONDO:0011374, OMIM 603813.

Allele frequency attached by ClinVar (database versions not stated): gnomAD 0.00003; gnomAD exomes 0.00008 and 0.00009; TOPMed 0.00009; ExAC 0.00012; ESP Exome Variant Server 0.00015.
gnomAD v4.1: 133 of 1,612,308 alleles (0.0082%); highest among the groups gnomAD compares: Middle Eastern, 0.066%; no homozygotes.

Submissions (7):

Cambridge Genomics Laboratory, East Genomic Laboratory Hub, NHS Genomic Medicine Service
Classification: Uncertain significance for Familial hypercholesterolaemia. Last evaluated: 2026-02-03. Review status: criteria provided, single submitter. Criteria: ACGS Best Practice Guidelines for Variant Classification in Rare Disease 2020. Collection method: clinical testing. Allele origin: germline. Affected: yes.
Comment: BP4

ARUP Laboratories, Molecular Genetics and Genomics, ARUP Laboratories
Classification: Uncertain significance for Hypercholesterolemia, familial, 4. Last evaluated: 2025-06-12. Review status: criteria provided, single submitter. Criteria: ARUP Molecular Germline Variant Investigation Process 2024. Collection method: clinical testing. Allele origin: germline.
Comment: The LDLRAP1 c.811G>A; p.Val271Ile variant (rs367832795, ClinVar Variation ID: 806094) is reported in the literature in individuals included in a familial hypercholesterolemia cohort or dyslipidemia cohort (Dron 2020, Pirillo 2017). This variant is found in the non-Finnish European population with an allele frequency of 0.014% (18/125,848 alleles) in the Genome Aggregation Database (v2.1.1). Computational analyses predict that this variant is neutral (REVEL: 0.12). However, given the limited clinical data and lack of functional data, the significance of this variant is uncertain at this time. References: Dron JS et al. Six years' experience with LipidSeq: clinical and research learnings from a hybrid, targeted sequencing panel for dyslipidemias. BMC Med Genomics. 2020 Feb 10;13(1):23. PMID: 32041611. Pirillo A et al. Spectrum of mutations in Italian patients with familial hypercholesterolemia: New results from the LIPIGEN study. Atheroscler Suppl. 2017 Oct;29:17-24. PMID: 28965616.

Blueprint Genetics
Classification: Uncertain significance. Last evaluated: 2024-04-24. Review status: criteria provided, single submitter. Criteria: ACMG Guidelines, 2015. Collection method: clinical testing. Allele origin: germline.

Genome-Nilou Lab
Classification: Uncertain significance for Hypercholesterolemia, familial, 4. Last evaluated: 2023-04-11. Review status: criteria provided, single submitter. Criteria: ACMG Guidelines, 2015. Collection method: clinical testing. Allele origin: germline. Affected: no.

Ambry Genetics
Classification: Uncertain significance for Cardiovascular phenotype. Last evaluated: 2022-12-08. Review status: criteria provided, single submitter. Criteria: Ambry Variant Classification Scheme 2023. Collection method: clinical testing. Allele origin: germline.
Comment: The p.V271I variant (also known as c.811G>A), located in coding exon 9 of the LDLRAP1 gene, results from a G to A substitution at nucleotide position 811. The valine at codon 271 is replaced by isoleucine, an amino acid with highly similar properties. This alteration has been reported in a familial hypercholesterolemia (FH) cohort and a dyslipidemia cohort (Pirillo A et al. Atheroscler Suppl, 2017 Oct;29:17-24; Dron JS et al. BMC Med Genomics, 2020 Feb;13:23). This amino acid position is well conserved in available vertebrate species. In addition, this alteration is predicted to be tolerated by in silico analysis. Since supporting evidence is limited at this time, the clinical significance of this alteration remains unclear.

Labcorp Genetics (formerly Invitae), Labcorp
Classification: Uncertain significance for Hypercholesterolemia, familial, 4. Last evaluated: 2021-10-04. Review status: criteria provided, single submitter. Criteria: Invitae Variant Classification Sherloc (09022015). Collection method: clinical testing. Allele origin: germline.
Comment: This sequence change replaces valine with isoleucine at codon 271 of the LDLRAP1 protein (p.Val271Ile). The valine residue is highly conserved and there is a small physicochemical difference between valine and isoleucine. This variant is present in population databases (rs367832795, ExAC 0.02%). This missense change has been observed in individual(s) with familial hypercholesterolemia (PMID: 28965616). ClinVar contains an entry for this variant (Variation ID: 806094). Algorithms developed to predict the effect of missense changes on protein structure and function (SIFT, PolyPhen-2, Align-GVGD) all suggest that this variant is likely to be tolerated. In summary, the available evidence is currently insufficient to determine the role of this variant in disease. Therefore, it has been classified as a Variant of Uncertain Significance.

Natera, Inc.
Classification: Uncertain significance for Familial hypercholesterolemia. Last evaluated: 2020-11-16. Review status: no assertion criteria provided. Collection method: clinical testing. Allele origin: germline. Not counted in ClinVar's aggregate classification.

Literature cited by the submitters: PubMed 28965616 (cited by Ambry Genetics and Labcorp Genetics (formerly Invitae), Labcorp); PubMed 32041611 (cited by Ambry Genetics).